The following is an entry in ClinVar:

NM_032638.5(GATA2):c.1081C>T (p.Arg361Cys)

Gene: GATA2 (GATA binding protein 2; minus strand). Cytogenetic location: 3q21.3.
Variant type: single nucleotide variant.
Coding change: c.1081C>T on transcript NM_032638.5 (MANE Select); coding-DNA position 1081, C replaced by T.
Protein change: p.Arg361Cys; replaces arginine 361 with cysteine.
Molecular consequence: missense variant.
Genome position (GRCh38, 1-based): chr3:128,481,881, G>A on the plus strand (C>T on the coding strand, the complement: GATA2 is on the minus strand). VCF-style: chr3-128481881-G-A. GRCh37 (hg19) VCF-style: chr3-128200724-G-A.
Other names: c.1081C>T, p.Arg361Cys (NM_001145661.2); c.1039C>T, p.Arg347Cys (NM_001145662.1); short protein forms R361C, R347C.
Identifiers: ClinVar variation 472431 (VCV000472431.23), dbSNP rs1426175410, ClinGen allele CA354413577.
Genomic context (GRCh38, chr3:128,481,881, plus strand): 5'-TGTGCAGCTTGTAGTAGAGGCCACAGGCGTTGCAGACAGGGTCCCCGTTGGCGTTTCGGC[G>A]CCATAAGGTGGTGGTTGTCGTCTGACAATTTGCACAACAGGTGCCGGCTCTTCTGGCGGC-3'
Protein context (NP_116027.2, residues 351-371): NCQTTTTTLW[Arg361Cys]RNANGDPVCN

ClinVar aggregate classification (germline): Pathogenic/Likely pathogenic. Review status: criteria provided, multiple submitters, no conflicts (2 of 4 stars). 8 submissions from 8 submitters: Pathogenic (4); Likely pathogenic (4). Last evaluated 2026-07-15.

Conditions:
GATA2-related disorder. Also called: GATA2-Related Disorders; GATA2-related condition.
Deafness-lymphedema-leukemia syndrome. Also called: Emberger syndrome; Lymphedema, primary, with myelodysplasia. Identifiers: Orphanet 3226, MedGen C3279664, MONDO:0013540, OMIM 614038.
GATA2 deficiency with susceptibility to MDS/AML. Identifiers: MedGen CN300066, MONDO:0042982.
Inborn genetic diseases. Identifiers: MedGen C0950123, MeSH D030342.
Monocytopenia with susceptibility to infections. Also called: IMMUNODEFICIENCY 21; GATA2 DEFICIENCY; MONOCYTOPENIA AND MYCOBACTERIAL INFECTION SYNDROME; MONOCYTOPENIA WITH SUSCEPTIBILITY TO MYCOBACTERIAL, FUNGAL, AND PAPILLOMAVIRUS INFECTIONS AND MYELODYSPLASIA; COMBINED IMMUNODEFICIENCY WITH SUSCEPTIBILITY TO MYCOBACTERIAL, VIRAL, AND FUNGAL INFECTIONS; Dendritic cell, monocyte, B lymphocyte, and natural killer lymphocyte deficiency. Identifiers: Orphanet 228423, MedGen C3280030, MONDO:0013607, OMIM 614172.
Myelodysplastic syndrome (MDS). Also called: Myelodysplastic syndrome, somatic; Myelodysplastic syndromes; MYELODYSPLASTIC SYNDROME, SUSCEPTIBILITY TO. Identifiers: Orphanet 52688, MedGen C3463824, MeSH D009190, MONDO:0018881, OMIM 614286.
Acute myeloid leukemia (AML). Also called: Leukemia, acute myeloid, somatic; Leukemia, acute myelogenous, somatic; Acute myeloid leukemia, adult; AML adult; Acute non-lymphocytic leukemia; Acute granulocytic leukemia. Identifiers: Orphanet 519, MedGen C0023467, MeSH D015470, MONDO:0018874, OMIM 601626, HP:0004808. Disease mechanism: Constitutively activated FLT3.

Allele frequency attached by ClinVar (database versions not stated): TOPMed below 0.00001; gnomAD 0.00001.

Submissions (8):

Ambry Genetics
Classification: Likely pathogenic for Inborn genetic diseases. Last evaluated: 2026-07-15. Review status: criteria provided, single submitter. Criteria: Ambry Variant Classification Scheme 2023. Collection method: clinical testing. Allele origin: germline.
Comment: The p.R361C variant (also known as c.1081C>T), located in coding exon 4 of the GATA2 gene, results from a C to T substitution at nucleotide position 1081. The arginine at codon 361 is replaced by cysteine, an amino acid with highly dissimilar properties. This variant was reported in multiple individuals with features consistent with GATA2 deficiency syndrome (Svobodova T et al. BMC Pulm Med, 2015 Feb;15:8; Wlodarski MW et al. Blood, 2016 Mar;127:1387-97; quiz 1518; Keel SB et al. Haematologica, 2016 Nov;101:1343-1350; Nov&aacute;kov&aacute; M et al. Haematologica, 2016 Jun;101:707-16). This amino acid position is highly conserved in available vertebrate species. In addition, this alteration is predicted to be deleterious by in silico analysis. This missense alteration is located in a region that has a low rate of benign missense variation (Lek M et al. Nature. 2016 Aug 18;536(7616):285-91; DECIPHER: Database of Chromosomal Imbalance and Phenotype in Humans using Ensembl Resources. Firth H.V. et al. 2009. Am.J.Hum.Genet. 84, 524-533 (DOI)). This variant is considered to be rare based on population cohorts in the Genome Aggregation Database (gnomAD). Based on the majority of available evidence to date, this variant is likely to be pathogenic.

Labcorp Genetics (formerly Invitae), Labcorp
Classification: Pathogenic for Monocytopenia with susceptibility to infections; Deafness-lymphedema-leukemia syndrome. Last evaluated: 2025-09-03. Review status: criteria provided, single submitter. Criteria: Invitae Variant Classification Sherloc (09022015). Collection method: clinical testing. Allele origin: germline.
Comment: This sequence change replaces arginine, which is basic and polar, with cysteine, which is neutral and slightly polar, at codon 361 of the GATA2 protein (p.Arg361Cys). This variant is not present in population databases (gnomAD no frequency). This missense change has been observed in individual(s) with clinical features of GATA2-related conditions (PMID: 23502222, 24077845, 24266605, 25879889, 26812071, 27418648, 32135276). It has also been observed to segregate with disease in related individuals. ClinVar contains an entry for this variant (Variation ID: 472431). Invitae Evidence Modeling of protein sequence and biophysical properties (such as structural, functional, and spatial information, amino acid conservation, physicochemical variation, residue mobility, and thermodynamic stability) indicates that this missense variant is expected to disrupt GATA2 protein function with a positive predictive value of 95%. This variant disrupts the p.Arg361 amino acid residue in GATA2. Other variant(s) that disrupt this residue have been determined to be pathogenic (PMID: 21892158). This suggests that this residue is clinically significant, and that variants that disrupt this residue are likely to be disease-causing. For these reasons, this variant has been classified as Pathogenic.

PreventionGenetics, part of Exact Sciences
Classification: Pathogenic for GATA2-related condition. Last evaluated: 2025-04-02. Review status: criteria provided, single submitter. Criteria: ACMG Guidelines, 2015. Collection method: clinical testing. Allele origin: germline.
Comment: The GATA2 c.1081C>T variant is predicted to result in the amino acid substitution p.Arg361Cys. This variant has previously been found in a patient with MonoMAC (monocytopenia and mycobacterium avium complex) syndrome and MDS (myelodysplastic syndrome) (Proband 37.I.1, Hsu et al. 2013. PubMed ID: 23502222 ) and in unrelated patients with various characteristics of GATA2-related disorders including monocytopenia and B-cell lymphopenia (Svobodova et al. 2015. PubMed ID: 25879889; Webb et al. 2016. PubMed ID: 26812071). This variant was also observed in a subset of AML cells from an adult patient with de novo AML (see abstract Petti et al. 2018. Blood. 132:1314). Heritable GATA2 pathogenic variants are associated with familial MDS and AML (acute myeloid leukemia) (Hahn et al. 2011. PubMed ID: 21892162). Other substitutions of the same amino acid residue defined as p.Arg361Gly, p.Arg361His, and p.Arg361Leu (Donadieu et al. 2018. PubMed ID: 29724903; West et al. 2014. PubMed ID: 24077845; Ostergaard et al. 2011. PubMed ID: 21892158) have also been reported in patients with GATA2-related disorders, including inherited bone marrow failure (Bluteau et al. 2018. PubMed ID: 29146883, sup. table 8) suggesting that amino acid residue p.Arg361 is important for proper protein function. This variant is not present in a large population database (gnomAD) and has been interpreted as pathogenic/likely pathogenic in the ClinVar database. This variant is interpreted as pathogenic.

GeneDx
Classification: Pathogenic. Last evaluated: 2024-09-11. Review status: criteria provided, single submitter. Criteria: GeneDx Variant Classification Process June 2021. Collection method: clinical testing. Allele origin: germline. Affected: yes.
Comment: In silico analysis supports that this missense variant has a deleterious effect on protein structure/function; Not observed at significant frequency in large population cohorts (gnomAD); This variant is associated with the following publications: (PMID: 24266605, 21892158, 26812071, 24077845, 27418648, 30521493, 26702063, 31413257, 30933029, 31309983, 23502222, 24227816, 34469508, 35603181, 34529785, Bello2024[abstract], 24345756, 34387894, Abellard2023[abstract], 27013649, 1714909, 28179282, 25879889, 32135276)

3billion
Classification: Likely pathogenic for Monocytopenia with susceptibility to infections. Last evaluated: 2023-08-03. Review status: criteria provided, single submitter. Criteria: ACMG Guidelines, 2015. Collection method: clinical testing. Allele origin: germline. Affected: yes.
Comment: The variant is not observed in the gnomAD v2.1.1 dataset. Predicted Consequence/Location: Missense variant In silico tool predictions suggest damaging effect of the variant on gene or gene product [REVEL: 0.97 (>=0.6, sensitivity 0.68 and specificity 0.92); 3Cnet: 0.99 (>=0.6, sensitivity 0.72 and precision 0.9)]. Same nucleotide change resulting in same amino acid change has been previously reported as pathogenic/likely pathogenic with strong evidence (ClinVar ID: VCV000472431 /PMID: 23502222 /3billion dataset). Different missense changes at the same codon (p.Arg361Gly, p.Arg361His, p.Arg361Leu, p.Arg361Pro) have been reported as pathogenic/likely pathogenic with strong evidence (ClinVar ID: VCV000029721, VCV000435282, VCV001184156 /PMID: 21892158, 24077845, 29724903, 34529785). Therefore, this variant is classified as Likely pathogenic according to the recommendation of ACMG/AMP guideline.

Molecular Pathology Research Laboratory, SA Pathology
Classification: Likely pathogenic for GATA2 deficiency with susceptibility to MDS/AML; Deafness-lymphedema-leukemia syndrome. Last evaluated: 2021-07-06. Review status: criteria provided, single submitter. Criteria: ACMG Guidelines, 2015. Collection method: curation. Allele origin: germline. Inheritance: Autosomal dominant inheritance. Affected: yes. Observed: 7 variant alleles. Clinical features observed: Myelodysplasia, Acute Myeloid Leukemia, Immunodeficiency, Lymphedema, Hematological abnormality.
Comment: PS4, PM1, PM5, PP3

Genetic Services Laboratory, University of Chicago
Classification: Likely pathogenic. Last evaluated: 2018-04-02. Review status: criteria provided, single submitter. Criteria: ACMG Guidelines, 2015. Collection method: clinical testing. Allele origin: germline. Affected: yes.

Center for Genomics, Ann and Robert H. Lurie Children's Hospital of Chicago
Classification: Pathogenic for Acute myeloid leukemia; Deafness-lymphedema-leukemia syndrome; Monocytopenia with susceptibility to infections; Myelodysplastic syndrome. Review status: criteria provided, single submitter. Criteria: ACMG Guidelines, 2015. Collection method: clinical testing. Allele origin: germline.
Comment: This variant has been reported in the literature in at least 7 individuals with a range of clinical features including myelodysplastic syndrome, various types of cytopenia, recurrent infection, and lymphedema (Hsu 2013 PMID: 23502222; Webb 2016 PMID: 26812071; Gardner 2019 PMID: 30933029; Shamriz 2022 PMID: 35603181), including at least once as a de novo variant (Simon 2020 PMID: 32135276); additionally, this variant was found to segregate in at least 3 family members who were apparently asymptomatic but showed similarly reduced cell counts as their symptomatic family members (Svobodova 2013 PMID: 25879889; Nováková 2016 PMID: 27013649). This variant is present in 1 total allele in the Genome Aggregation Database (Highest reported MAF: 0.02% [1/5180]); please note, disease-causing variants may be present in control databases at low frequencies, reflective of the general population, incomplete penetrance, and/or variable expressivity. This variant is also present in ClinVar, with classifications ranging from likely pathogenic to pathogenic (Variation ID: 472431). Evolutionary conservation and computational predictive tools strongly suggest that this variant may impact the protein. In summary, this variant is classified as pathogenic.

Literature cited by the submitters: PubMed 25879889 (cited by 3 submitters); PubMed 26702063 (cited by Ambry Genetics and Molecular Pathology Research Laboratory, SA Pathology); PubMed 27013649 (cited by Ambry Genetics); PubMed 27418648 (cited by Ambry Genetics and Labcorp Genetics (formerly Invitae), Labcorp); PubMed 23502222 (cited by 3 submitters); PubMed 24077845 (cited by Labcorp Genetics (formerly Invitae), Labcorp and Molecular Pathology Research Laboratory, SA Pathology); PubMed 24266605 (cited by Labcorp Genetics (formerly Invitae), Labcorp); PubMed 26812071 (cited by Labcorp Genetics (formerly Invitae), Labcorp); PubMed 32135276 (cited by Labcorp Genetics (formerly Invitae), Labcorp and Molecular Pathology Research Laboratory, SA Pathology); PubMed 21892158 (cited by Labcorp Genetics (formerly Invitae), Labcorp and 3billion); PubMed 24345756 (cited by Molecular Pathology Research Laboratory, SA Pathology); PubMed 24227816 (cited by Molecular Pathology Research Laboratory, SA Pathology).